The following is an entry in ClinVar:

NM_001267550.2(TTN):c.70794del (p.Glu23599fs)

Genes: TTN-AS1 (TTN antisense RNA 1; plus strand), TTN (titin; minus strand). Cytogenetic location: 2q31.2.
Variant type: Deletion.
Coding change: c.70794del on transcript NM_001267550.2 (MANE Select); coding-DNA position 70794, one base deleted (A; older notation c.70794delA).
Protein change: p.Glu23599fs; shifts the reading frame from glutamic acid 23599.
Molecular consequence: frameshift variant.
Genome position (GRCh38, 1-based): chr2:178,575,338, T deleted on the plus strand (A on the coding strand, the reverse complement: TTN is on the minus strand). VCF-style (leftmost placement, unchanged base first): chr2-178575337-CT-C. GRCh37 (hg19) VCF-style: chr2-179440064-CT-C.
Other names: c.65871del, p.Glu21958fs (NM_001256850.1); c.43599del, p.Glu14534fs (NM_003319.4); c.63090del, p.Glu21031fs (NM_133378.4); c.43974del, p.Glu14659fs (NM_133432.3); c.44175del, p.Glu14726fs (NM_133437.4); c.43599delA (NM_003319.4); short protein forms E14534fs, E21031fs, E21958fs, E23599fs, E14659fs, E14726fs.
Identifiers: ClinVar variation 518675 (VCV000518675.5), dbSNP rs1553612904, ClinGen allele CA658796004.

ClinVar aggregate classification (germline): Likely pathogenic (1 of 4 stars; one submission).

Conditions:
Cardiovascular phenotype. Identifiers: MedGen CN230736.

Submission:

Ambry Genetics
Classification: Likely pathogenic for Cardiovascular phenotype. Last evaluated: 2017-07-14. Review status: criteria provided, single submitter. Criteria: Ambry Variant Classification Scheme 2023. Collection method: clinical testing. Allele origin: germline.
Comment: The c.43599delA variant, located in coding exon 153 of the TTN gene, results from a deletion of one nucleotide at nucleotide position 43599, causing a translational frameshift with a predicted alternate stop codon (p.E14534Rfs*7). This exon is located in the A-band region of the N2-B isoform of the titin protein and is constitutively expressed in TTN transcripts (percent spliced in or PSI 100%). While truncating variants in TTN are present in 1-3% of the general population, truncating variants in the A-band are the most common cause of dilated cardiomyopathy (DCM) (Herman DS et al. N. Engl. J. Med. 2012 Feb;366:619-28; Roberts AM et al. Sci Transl Med. 2015 Jan;7:270ra6). TTN truncating variants encoded in constitutive exons (PSI >90%) have been found to be significantly associated with DCM regardless of their position in titin (Schafer S et al. Nat. Genet. 2017 Jan;49:46-53).This alteration is expected to result in loss of function by premature protein truncation or nonsense-mediated mRNA decay. As such, this alteration is interpreted as a disease-causing mutation.